The following is an entry in ClinVar:

ClinVar aggregate classification (germline): Pathogenic. Review status: reviewed by expert panel (3 of 4 stars). 2 submissions from 2 submitters: Pathogenic (1). 1 of the submissions does not count toward it. Last evaluated 2016-10-18.

Conditions:
Breast-ovarian cancer, familial, susceptibility to, 2 (BROVCA2). Also called: BRCA2 Hereditary Breast and Ovarian Cancer. Identifiers: Orphanet 145, MedGen C2675520, MONDO:0012933, OMIM 612555. Disease mechanism: loss of function.

Submissions (2):

Evidence-based Network for the Interpretation of Germline Mutant Alleles (ENIGMA)
Classification: Pathogenic for Breast-ovarian cancer, familial, susceptibility to, 2. Last evaluated: 2016-10-18. Review status: reviewed by expert panel. Criteria: ENIGMA BRCA1/2 Classification Criteria (2015). Collection method: curation. Allele origin: germline.
Comment: Variant allele predicted to encode a truncated non-functional protein.

Consortium of Investigators of Modifiers of BRCA1/2 (CIMBA), c/o University of Cambridge
Classification: Pathogenic for Breast-ovarian cancer, familial, susceptibility to, 2. Last evaluated: 2015-10-02. Review status: criteria provided, single submitter. Criteria: CIMBA Mutation Classification guidelines May 2016. Collection method: clinical testing. Allele origin: germline. Not counted in ClinVar's aggregate classification.

NM_000059.4(BRCA2):c.3824_3827del (p.Ile1275fs)

Gene: BRCA2 (BRCA2 DNA repair associated; plus strand). Cytogenetic location: 13q13.1.
Variant type: Deletion.
Coding change: c.3824_3827del on transcript NM_000059.4 (MANE Select); coding-DNA positions 3824 to 3827, 4 bases deleted (TAGA; older notation c.3824_3827delTAGA).
Protein change: p.Ile1275fs; shifts the reading frame from isoleucine 1275.
Molecular consequence: frameshift variant.
Genome position (GRCh38, 1-based): chr13:32,338,179-32,338,182, TAGA deleted; deleting any 4 consecutive bases within chr13:32,338,176-32,338,182 gives the same sequence; the c. name uses the placement nearest the transcript's 3' end. VCF-style (leftmost placement, unchanged base first): chr13-32338175-AAGAT-A. GRCh37 (hg19) VCF-style: chr13-32912312-AAGAT-A.
Other names: 4052delTAGA; c.3824_3827delTAGA (NM_000059.3).
Identifiers: ClinVar variation 51532 (VCV000051532.7), dbSNP rs397507688, ClinGen allele CA018874.